The following is an entry in ClinVar:

ClinVar aggregate classification (germline): Uncertain significance. Review status: criteria provided, multiple submitters, no conflicts (2 of 4 stars). 2 submissions from 2 submitters: Uncertain significance (2). Last evaluated 2024-11-11.

Conditions:
Hereditary cancer-predisposing syndrome. Also called: Hereditary Cancer Syndrome; Hereditary neoplastic syndrome; Tumor predisposition; Neoplastic Syndromes, Hereditary. Identifiers: Orphanet 140162, MedGen C0027672, MeSH D009386, MONDO:0015356.
Bloom syndrome (BLM). Also called: Bloom-Torre-Machacek syndrome. Identifiers: Orphanet 125, MedGen C0005859, MONDO:0008876, OMIM 210900.

Allele frequency attached by ClinVar (database versions not stated): gnomAD exomes below 0.00001.
gnomAD v4.1: 3 of 1,540,450 alleles (0.00019%); highest among the groups gnomAD compares: South Asian, 0.0023%; no homozygotes.

Submissions (2):

Ambry Genetics
Classification: Uncertain significance for Hereditary cancer-predisposing syndrome. Last evaluated: 2024-11-11. Review status: criteria provided, single submitter. Criteria: Ambry Variant Classification Scheme 2023. Collection method: clinical testing. Allele origin: germline.
Comment: The p.T766S variant (also known as c.2297C>G), located in coding exon 9 of the BLM gene, results from a C to G substitution at nucleotide position 2297. The threonine at codon 766 is replaced by serine, an amino acid with similar properties. This amino acid position is highly conserved in available vertebrate species. In addition, this alteration is predicted to be deleterious by in silico analysis. Since supporting evidence is limited at this time, the clinical significance of this alteration remains unclear.

Labcorp Genetics (formerly Invitae), Labcorp
Classification: Uncertain significance for Bloom syndrome. Last evaluated: 2024-09-22. Review status: criteria provided, single submitter. Criteria: Invitae Variant Classification Sherloc (09022015). Collection method: clinical testing. Allele origin: germline.
Comment: This sequence change replaces threonine, which is neutral and polar, with serine, which is neutral and polar, at codon 766 of the BLM protein (p.Thr766Ser). This variant is present in population databases (no rsID available, gnomAD 0.007%). This variant has not been reported in the literature in individuals affected with BLM-related conditions. ClinVar contains an entry for this variant (Variation ID: 1789184). Invitae Evidence Modeling of protein sequence and biophysical properties (such as structural, functional, and spatial information, amino acid conservation, physicochemical variation, residue mobility, and thermodynamic stability) indicates that this missense variant is expected to disrupt BLM protein function with a positive predictive value of 80%. In summary, the available evidence is currently insufficient to determine the role of this variant in disease. Therefore, it has been classified as a Variant of Uncertain Significance.

NM_000057.4(BLM):c.2297C>G (p.Thr766Ser)

Gene: BLM (BLM RecQ like helicase; plus strand). Cytogenetic location: 15q26.1.
Variant type: single nucleotide variant.
Coding change: c.2297C>G on transcript NM_000057.4 (MANE Select); coding-DNA position 2297, C replaced by G.
Protein change: p.Thr766Ser; replaces threonine 766 with serine.
Molecular consequence: missense variant.
Genome position (GRCh38, 1-based): chr15:90,767,013, C>G. VCF-style: chr15-90767013-C-G. GRCh37 (hg19) VCF-style: chr15-91310243-C-G.
Other names: c.2297C>G, p.Thr766Ser (NM_001287246.2, NM_001287247.2); c.1172C>G, p.Thr391Ser (NM_001287248.2); short protein forms T391S, T766S.
Identifiers: ClinVar variation 1789184 (VCV001789184.4), dbSNP rs1340640018, ClinGen allele CA393844985.